The following is an entry in ClinVar:

NM_001004334.4(GPR179):c.757T>C (p.Phe253Leu)

Gene: GPR179 (G protein-coupled receptor 179; minus strand). Cytogenetic location: 17q12.
Variant type: single nucleotide variant.
Coding change: c.757T>C on transcript NM_001004334.4 (MANE Select); coding-DNA position 757, T replaced by C.
Protein change: p.Phe253Leu; replaces phenylalanine 253 with leucine.
Molecular consequence: missense variant.
Genome position (GRCh38, 1-based): chr17:38,343,033, A>G on the plus strand (T>C on the coding strand, the complement: GPR179 is on the minus strand). VCF-style: chr17-38343033-A-G. GRCh37 (hg19) VCF-style: chr17-36498916-A-G.
Other names: c.757T>C (NM_001004334.2); short protein forms F253L.
Identifiers: ClinVar variation 1505441 (VCV001505441.6), dbSNP rs766481251, ClinGen allele CA290111338.

ClinVar aggregate classification (germline): Uncertain significance. Review status: criteria provided, multiple submitters, no conflicts (2 of 4 stars). 3 submissions from 3 submitters: Uncertain significance (3). Last evaluated 2025-08-21.

Conditions:
Inborn genetic diseases. Identifiers: MedGen C0950123, MeSH D030342.

Allele frequency attached by ClinVar (database versions not stated): gnomAD exomes 0.00001 and 0.00002; TOPMed 0.00002; ExAC 0.00003.
gnomAD v4.1: 7 of 1,613,012 alleles (0.00043%); highest among the groups gnomAD compares: Admixed American, 0.012%; no homozygotes.

Submissions (3):

Ambry Genetics
Classification: Uncertain significance for Inborn genetic diseases. Last evaluated: 2025-08-21. Review status: criteria provided, single submitter. Criteria: Ambry Variant Classification Scheme 2023. Collection method: clinical testing. Allele origin: germline.

Labcorp Genetics (formerly Invitae), Labcorp
Classification: Uncertain significance. Last evaluated: 2025-01-15. Review status: criteria provided, single submitter. Criteria: Invitae Variant Classification Sherloc (09022015). Collection method: clinical testing. Allele origin: germline.
Comment: This sequence change replaces phenylalanine, which is neutral and non-polar, with leucine, which is neutral and non-polar, at codon 253 of the GPR179 protein (p.Phe253Leu). This variant is present in population databases (rs766481251, gnomAD 0.009%). This variant has not been reported in the literature in individuals affected with GPR179-related conditions. ClinVar contains an entry for this variant (Variation ID: 1505441). An algorithm developed to predict the effect of missense changes on protein structure and function (PolyPhen-2) suggests that this variant is likely to be disruptive. In summary, the available evidence is currently insufficient to determine the role of this variant in disease. Therefore, it has been classified as a Variant of Uncertain Significance.

Blueprint Genetics
Classification: Uncertain significance. Last evaluated: 2017-08-28. Review status: criteria provided, single submitter. Criteria: ACMG Guidelines, 2015. Collection method: clinical testing. Allele origin: germline.